The following is an entry in ClinVar:

NM_015046.7(SETX):c.3905G>T (p.Arg1302Leu)

Gene: SETX (senataxin; minus strand). Cytogenetic location: 9q34.13.
Variant type: single nucleotide variant.
Coding change: c.3905G>T on transcript NM_015046.7 (MANE Select); coding-DNA position 3905, G replaced by T.
Protein change: p.Arg1302Leu; replaces arginine 1302 with leucine.
Molecular consequence: missense variant.
Genome position (GRCh38, 1-based): chr9:132,327,693, C>A on the plus strand (G>T on the coding strand, the complement: SETX is on the minus strand). VCF-style: chr9-132327693-C-A. GRCh37 (hg19) VCF-style: chr9-135203080-C-A.
Other names: c.3905G>T, p.Arg1302Leu (NM_001351527.2, NM_001351528.2); short protein forms R1302L.
Identifiers: ClinVar variation 1736056 (VCV001736056.24), dbSNP rs1417093374, ClinGen allele CA375328048.

ClinVar aggregate classification (germline): Uncertain significance. Review status: criteria provided, multiple submitters, no conflicts (2 of 4 stars). 2 submissions from 2 submitters: Uncertain significance (2). Last evaluated 2024-01-01.

Conditions:
Inborn genetic diseases. Identifiers: MedGen C0950123, MeSH D030342.

gnomAD v4.1: 2 of 1,613,956 alleles (0.00012%); highest among the groups gnomAD compares: Admixed American, 0.0033%; no homozygotes.

Submissions (2):

CeGaT Center for Human Genetics Tuebingen
Classification: Uncertain significance. Last evaluated: 2024-01-01. Review status: criteria provided, single submitter. Criteria: CeGaT Center For Human Genetics Tuebingen Variant Classification Criteria Version 2. Collection method: clinical testing. Allele origin: germline. Affected: yes. Observed: 1 variant allele.
Comment: SETX: PM2

Ambry Genetics
Classification: Uncertain significance for Inborn genetic diseases. Last evaluated: 2021-06-17. Review status: criteria provided, single submitter. Criteria: Ambry Variant Classification Scheme 2023. Collection method: clinical testing. Allele origin: germline.
Comment: The p.R1302L variant (also known as c.3905G>T), located in coding exon 8 of the SETX gene, results from a G to T substitution at nucleotide position 3905. The arginine at codon 1302 is replaced by leucine, an amino acid with dissimilar properties. This amino acid position is conserved. In addition, the in silico prediction for this alteration is inconclusive. Since supporting evidence is limited at this time, the clinical significance of this alteration remains unclear.